The following is an entry in ClinVar:

ClinVar aggregate classification (germline): Likely benign. Review status: criteria provided, multiple submitters, no conflicts (2 of 4 stars). 2 submissions from 2 submitters: Likely benign (2). Last evaluated 2026-09-03.

Conditions:
TRRAP-related disorder. Also called: TRRAP-related condition.

Allele frequency attached by ClinVar (database versions not stated): gnomAD 0.00003; ExAC 0.00005; TOPMed 0.00005.
gnomAD v4.1: 160 of 1,612,534 alleles (0.0099%); highest among the groups gnomAD compares: South Asian, 0.012%; 1 homozygote.

Submissions (2):

PreventionGenetics, part of Exact Sciences
Classification: Likely benign for TRRAP-related condition. Last evaluated: 2026-09-03. Review status: criteria provided, single submitter. Criteria: ACMG Guidelines, 2015. Collection method: clinical testing. Allele origin: germline.
Comment: This variant is classified as likely benign based on ACMG/AMP sequence variant interpretation guidelines (Richards et al. 2015 PMID: 25741868, with internal and published modifications).

Labcorp Genetics (formerly Invitae), Labcorp
Classification: Likely benign. Last evaluated: 2025-11-05. Review status: criteria provided, single submitter. Criteria: Invitae Variant Classification Sherloc (09022015). Collection method: clinical testing. Allele origin: germline.

NM_001375524.1(TRRAP):c.1218C>T (p.Ile406=)

Gene: TRRAP (transformation/transcription domain associated protein; plus strand). Cytogenetic location: 7q22.1.
Variant type: single nucleotide variant.
Coding change: c.1218C>T on transcript NM_001375524.1 (MANE Select); coding-DNA position 1218, C replaced by T.
Protein change: p.Ile406=; no amino-acid change (isoleucine 406 retained).
Molecular consequence: synonymous variant.
Genome position (GRCh38, 1-based): chr7:98,908,830, C>T. VCF-style: chr7-98908830-C-T. GRCh37 (hg19) VCF-style: chr7-98506453-C-T.
Other names: c.1218C>T, p.Ile406= (NM_001244580.2, NM_003496.4); c.1218C>T (NM_003496.3).
Identifiers: ClinVar variation 2167892 (VCV002167892.5), dbSNP rs200233198, ClinGen allele CA4359465.